The following is an entry in ClinVar:

NM_006063.3(KLHL41):c.22G>A (p.Ala8Thr)

Gene: KLHL41 (kelch like family member 41; plus strand). Cytogenetic location: 2q31.1.
Variant type: single nucleotide variant.
Coding change: c.22G>A on transcript NM_006063.3 (MANE Select); coding-DNA position 22, G replaced by A.
Protein change: p.Ala8Thr; replaces alanine 8 with threonine.
Molecular consequence: missense variant.
Genome position (GRCh38, 1-based): chr2:169,509,800, G>A. VCF-style: chr2-169509800-G-A. GRCh37 (hg19) VCF-style: chr2-170366310-G-A.
Other names: short protein forms A8T.
Identifiers: ClinVar variation 1035863 (VCV001035863.9), dbSNP rs1684001399, ClinGen allele CA349172465.

ClinVar aggregate classification (germline): Uncertain significance (1 of 4 stars; one submission).

Conditions:
Nemaline myopathy 9 (NEM9). Identifiers: MedGen C3810384, MONDO:0014326, OMIM 615731.

Allele frequency attached by ClinVar (database versions not stated): gnomAD exomes below 0.00001.
gnomAD v4.1: 2 of 1,611,970 alleles (0.00012%); highest among the groups gnomAD compares: Non-Finnish European, 0.00017%; no homozygotes.

Submission:

Labcorp Genetics (formerly Invitae), Labcorp
Classification: Uncertain significance for Nemaline myopathy 9. Last evaluated: 2020-01-21. Review status: criteria provided, single submitter. Criteria: Invitae Variant Classification Sherloc (09022015). Collection method: clinical testing. Allele origin: germline.
Comment: This variant is not present in population databases (ExAC no frequency). In summary, the available evidence is currently insufficient to determine the role of this variant in disease. Therefore, it has been classified as a Variant of Uncertain Significance. Algorithms developed to predict the effect of missense changes on protein structure and function output the following: SIFT: "Tolerated"; PolyPhen-2: "Benign"; Align-GVGD: "Class C0". The threonine amino acid residue is found in multiple mammalian species, suggesting that this missense change does not adversely affect protein function. These predictions have not been confirmed by published functional studies and their clinical significance is uncertain. This variant has not been reported in the literature in individuals with KLHL41-related conditions. This sequence change replaces alanine with threonine at codon 8 of the KLHL41 protein (p.Ala8Thr). The alanine residue is moderately conserved and there is a small physicochemical difference between alanine and threonine.